The following is an entry in ClinVar:

ClinVar aggregate classification (germline): Pathogenic (1 of 4 stars; one submission).

Conditions:
Generalized epilepsy with febrile seizures plus, type 9 (GEFSP9). Also called: GEFS+, TYPE 9. Identifiers: Orphanet 36387, MedGen C4015395, MONDO:0014517, OMIM 616172.

Submission:

Labcorp Genetics (formerly Invitae), Labcorp
Classification: Pathogenic for Generalized epilepsy with febrile seizures plus, type 9. Last evaluated: 2023-07-14. Review status: criteria provided, single submitter. Criteria: Invitae Variant Classification Sherloc (09022015). Collection method: clinical testing. Allele origin: germline.
Comment: For these reasons, this variant has been classified as Pathogenic. This variant disrupts a region of the STX1B protein in which other variant(s) (p.Gly275Arg) have been determined to be pathogenic (Invitae). This suggests that this is a clinically significant region of the protein, and that variants that disrupt it are likely to be disease-causing. Variants that disrupt the consensus splice site are a relatively common cause of aberrant splicing (PMID: 17576681, 9536098). Algorithms developed to predict the effect of sequence changes on RNA splicing suggest that this variant may disrupt the consensus splice site. This variant has not been reported in the literature in individuals affected with STX1B-related conditions. This variant is not present in population databases (gnomAD no frequency). This sequence change affects a donor splice site in intron 9 of the STX1B gene. While this variant is not anticipated to result in nonsense mediated decay, it likely alters RNA splicing and results in a disrupted protein product.

Literature cited by the submitters: PubMed 17576681; PubMed 9536098.

NM_052874.5(STX1B):c.786+1G>T

Gene: STX1B (syntaxin 1B; minus strand). Cytogenetic location: 16p11.2.
Variant type: single nucleotide variant.
Coding change: c.786+1G>T on transcript NM_052874.5 (MANE Select); the canonical splice donor site of the intron after coding-DNA position 786, G replaced by T.
Molecular consequence: splice donor variant.
Genome position (GRCh38, 1-based): chr16:30,993,129, C>A on the plus strand (G>T on the coding strand, the complement: STX1B is on the minus strand). VCF-style: chr16-30993129-C-A. GRCh37 (hg19) VCF-style: chr16-31004450-C-A.
Identifiers: ClinVar variation 2811860 (VCV002811860.3), dbSNP rs372818642, ClinGen allele CA395646547.